The following is an entry in ClinVar:

ClinVar aggregate classification (germline): Uncertain significance (1 of 4 stars; one submission).

Conditions:
Vici syndrome (VICIS). Identifiers: Orphanet 1493, MedGen C1855772, MONDO:0009452, OMIM 242840.

Submission:

Labcorp Genetics (formerly Invitae), Labcorp
Classification: Uncertain significance for Vici syndrome. Last evaluated: 2022-05-18. Review status: criteria provided, single submitter. Criteria: Invitae Variant Classification Sherloc (09022015). Collection method: clinical testing. Allele origin: germline.
Comment: This sequence change replaces leucine, which is neutral and non-polar, with phenylalanine, which is neutral and non-polar, at codon 1286 of the EPG5 protein (p.Leu1286Phe). This variant is not present in population databases (gnomAD no frequency). This variant has not been reported in the literature in individuals affected with EPG5-related conditions. Algorithms developed to predict the effect of missense changes on protein structure and function are either unavailable or do not agree on the potential impact of this missense change (SIFT: "Tolerated"; PolyPhen-2: "Probably Damaging"; Align-GVGD: "Class C0"). In summary, the available evidence is currently insufficient to determine the role of this variant in disease. Therefore, it has been classified as a Variant of Uncertain Significance.

NM_020964.3(EPG5):c.3856C>T (p.Leu1286Phe)

Gene: EPG5 (ectopic P-granules 5 autophagy tethering factor; minus strand). Cytogenetic location: 18q21.1.
Variant type: single nucleotide variant.
Coding change: c.3856C>T on transcript NM_020964.3 (MANE Select); coding-DNA position 3856, C replaced by T.
Protein change: p.Leu1286Phe; replaces leucine 1286 with phenylalanine.
Molecular consequence: missense variant.
Genome position (GRCh38, 1-based): chr18:45,912,417, G>A on the plus strand (C>T on the coding strand, the complement: EPG5 is on the minus strand). VCF-style: chr18-45912417-G-A. GRCh37 (hg19) VCF-style: chr18-43492382-G-A.
Other names: c.3856C>T, p.Leu1286Phe (NM_001410858.1, NM_001410859.1); short protein forms L1286F.
Identifiers: ClinVar variation 2133765 (VCV002133765.1), dbSNP rs2511794761, ClinGen allele CA402340978.
Genomic context (GRCh38, chr18:45,912,417, plus strand): 5'-GGTGATCAGAAGGTGTGACCAGAGCCTGGTGGGCCCAGCGATAAATCAGCAGCCTCTGGA[G>A]GGATGGCACGATGGGGAGCTTCAGCTGGGTCTGGGCTTTCTACAAAAAAGAAAGGGCTTT-3'
Protein context (NP_066015.2, residues 1276-1296): TQLKLPIVPS[Leu1286Phe]QRLLIYRWAH